The following is an entry in ClinVar:

ClinVar aggregate classification (germline): Uncertain significance (1 of 4 stars; one submission).

Allele frequency attached by ClinVar (database versions not stated): gnomAD exomes 0.00001 and 0.00003; ExAC 0.00004; gnomAD 0.00006 and 0.00007; TOPMed 0.00012; ESP Exome Variant Server 0.00015.
gnomAD v4.1: 20 of 1,614,134 alleles (0.0012%); highest among the groups gnomAD compares: African/African-American, 0.025%; no homozygotes.

Submission:

Labcorp Genetics (formerly Invitae), Labcorp
Classification: Uncertain significance. Last evaluated: 2022-10-17. Review status: criteria provided, single submitter. Criteria: Invitae Variant Classification Sherloc (09022015). Collection method: clinical testing. Allele origin: germline.
Comment: This variant has not been reported in the literature in individuals affected with ADAM9-related conditions. In summary, the available evidence is currently insufficient to determine the role of this variant in disease. Therefore, it has been classified as a Variant of Uncertain Significance. Algorithms developed to predict the effect of missense changes on protein structure and function output the following: SIFT: "Tolerated"; PolyPhen-2: "Benign"; Align-GVGD: "Class C0". The asparagine amino acid residue is found in multiple mammalian species, which suggests that this missense change does not adversely affect protein function. ClinVar contains an entry for this variant (Variation ID: 972086). This variant is present in population databases (rs148531337, gnomAD 0.02%). This sequence change replaces serine, which is neutral and polar, with asparagine, which is neutral and polar, at codon 752 of the ADAM9 protein (p.Ser752Asn).

NM_003816.3(ADAM9):c.2255G>A (p.Ser752Asn)

Gene: ADAM9 (ADAM metallopeptidase domain 9; plus strand). Cytogenetic location: 8p11.22.
Variant type: single nucleotide variant.
Coding change: c.2255G>A on transcript NM_003816.3 (MANE Select); coding-DNA position 2255, G replaced by A.
Protein change: p.Ser752Asn; replaces serine 752 with asparagine.
Molecular consequence: missense variant. On other transcripts: non-coding transcript variant (3).
Genome position (GRCh38, 1-based): chr8:39,091,303, G>A. VCF-style: chr8-39091303-G-A. GRCh37 (hg19) VCF-style: chr8-38948822-G-A.
Other names: short protein forms S752N.
Identifiers: ClinVar variation 972086 (VCV000972086.5), dbSNP rs148531337, ClinGen allele CA4721853.
Genomic context (GRCh38, chr8:39,091,303, plus strand): 5'-TAATTGTATCTTTCAGGTCAGATGGCAAAAATCAAGCAAACCCTTCTAGACAGCCGGGGA[G>A]TGTTCCTCGACATGTTTCTCCAGTGACACCTCCCAGAGAAGTTGTAAGTATAAAATGAAA-3'
Protein context (NP_003807.1, residues 742-762): NQANPSRQPG[Ser752Asn]VPRHVSPVTP